The following is an entry in ClinVar:

ClinVar aggregate classification (germline): Pathogenic. Review status: criteria provided, multiple submitters, no conflicts (2 of 4 stars). 3 submissions from 3 submitters: Pathogenic (3). Last evaluated 2026-04-13.

Conditions:
Rubinstein-Taybi syndrome due to EP300 haploinsufficiency. Also called: EP300-Related Rubinstein-Taybi Syndrome; RUBINSTEIN-TAYBI SYNDROME 2. Identifiers: Orphanet 353284, Orphanet 783, MedGen C3150941, MONDO:0013364, OMIM 613684.

Submissions (3):

Dasa
Classification: Pathogenic. Last evaluated: 2026-04-13. Review status: criteria provided, single submitter. Criteria: DASA Assertion Criteria. Collection method: clinical testing. Allele origin: germline.
Comment: NM_001429.4(EP300):c.3934C>T (p.Arg1312*) introduces a premature termination codon predicted to result in loss of normal protein function. Loss-of-function is an established mechanism of disease for this gene. De novo occurrence has been reported in an individual with related phenotype. This variant has been recurrently observed in individuals with related phenotype (PMID: 40672389; PMID: 24476420; PMID: 41168794; PMID: 38958063). The variant is present at low frequency in population datasets. Based on the available data, this variant is classified as pathogenic.

GeneDx
Classification: Pathogenic. Last evaluated: 2019-05-18. Review status: criteria provided, single submitter. Criteria: GeneDx Variant Classification Process June 2021. Collection method: clinical testing. Allele origin: germline. Affected: yes.
Comment: Nonsense variant identified in a patient with Rubinstein-Taybi syndrome in published literature (described as R1311X in some sections of the publication due to apparent typos). Predicted to result in nonsense mediated decay in a gene for which loss-of-function is a known mechanism of disease (Negri et al., 2015); Not observed in large population cohorts (Lek et al., 2016); This variant is associated with the following publications: (PMID: 24476420)

Department of Medical Genetics, Hunan Children's Hospital
Classification: Pathogenic for Rubinstein-Taybi syndrome due to EP300 haploinsufficiency. Review status: criteria provided, single submitter. Criteria: ACMG Guidelines, 2015. Collection method: clinical testing. Allele origin: de novo. Inheritance: Autosomal dominant inheritance. Affected: yes.
Comment: 1.Predicted to undergo NMD, not located in last exon or last 50bp of preliminary exon.Coding exon number 24 out of 31 coding exons (24 out of total exons)-PVS1; 2.ClinVar IDs: 545969,Reported in ClinVar in affected cases in the following submissions: SCV000779398: ''Reported in affected case by submitting lab'' -PS4_P; 3.Extremely low frequency in gnomAD population databases -PM2_P.

Literature cited by the submitters: PubMed 40672389 (cited by Dasa); PubMed 24476420 (cited by Dasa); PubMed 41168794 (cited by Dasa); PubMed 38958063 (cited by Dasa); PubMed 13983033 (cited by Department of Medical Genetics, Hunan Children's Hospital).

NM_001429.4(EP300):c.3934C>T (p.Arg1312Ter)

Gene: EP300 (EP300 lysine acetyltransferase; plus strand). Cytogenetic location: 22q13.2.
Variant type: single nucleotide variant.
Coding change: c.3934C>T on transcript NM_001429.4 (MANE Select); coding-DNA position 3934, C replaced by T.
Protein change: p.Arg1312Ter; replaces arginine 1312 with a stop codon.
Molecular consequence: nonsense.
Genome position (GRCh38, 1-based): chr22:41,168,508, C>T. VCF-style: chr22-41168508-C-T. GRCh37 (hg19) VCF-style: chr22-41564512-C-T.
Other names: c.3856C>T, p.Arg1286Ter (NM_001362843.2); short protein forms R1312*, R1286*.
Identifiers: ClinVar variation 545969 (VCV000545969.5), dbSNP rs1555911075, ClinGen allele CA411699319.